The following is an entry in ClinVar:

NM_000051.4(ATM):c.8279del (p.Leu2760fs)

Genes: ATM (ATM serine/threonine kinase; plus strand), C11orf65 (chromosome 11 open reading frame 65; minus strand). Cytogenetic location: 11q22.3.
Variant type: Deletion.
Coding change: c.8279del on transcript NM_000051.4 (MANE Select); coding-DNA position 8279, one base deleted (T; older notation c.8279delT).
Protein change: p.Leu2760fs; shifts the reading frame from leucine 2760.
Molecular consequence: frameshift variant. On other transcripts: intron variant (2).
Genome position (GRCh38, 1-based): chr11:108,343,232, T deleted. VCF-style (leftmost placement, unchanged base first): chr11-108343231-CT-C. GRCh37 (hg19) VCF-style: chr11-108213958-CT-C.
Other names: c.8279del, p.Leu2760fs (NM_001351834.2); c.641-34161del (NM_001330368.2); c.695-7940del (NM_001351110.2); short protein forms L2760fs.
Identifiers: ClinVar variation 3254399 (VCV003254399.1), dbSNP rs2547415002.

ClinVar aggregate classification (germline): Pathogenic (1 of 4 stars; one submission).

Conditions:
Familial cancer of breast. Also called: hereditary breast carcinoma; BREAST CANCER, FAMILIAL; Hereditary breast cancer. Identifiers: Orphanet 227535, MedGen C0346153, MONDO:0016419, OMIM 114480. Disease mechanism: loss of function.

Submission:

Myriad Genetics, Inc.
Classification: Pathogenic for Familial cancer of breast. Last evaluated: 2024-06-03. Review status: criteria provided, single submitter. Criteria: Myriad Autosomal Dominant, Autosomal Recessive and X-Linked Classification Criteria (2023). Collection method: clinical testing. Allele origin: unknown.
Comment: This variant is considered pathogenic. This variant creates a frameshift predicted to result in premature protein truncation.